The following is an entry in ClinVar:

NM_003743.5(NCOA1):c.3273A>T (p.Arg1091Ser)

Gene: NCOA1 (nuclear receptor coactivator 1; plus strand). Cytogenetic location: 2p23.3.
Variant type: single nucleotide variant.
Coding change: c.3273A>T on transcript NM_003743.5 (MANE Select); coding-DNA position 3273, A replaced by T.
Protein change: p.Arg1091Ser; replaces arginine 1091 with serine.
Molecular consequence: missense variant.
Genome position (GRCh38, 1-based): chr2:24,739,503, A>T. VCF-style: chr2-24739503-A-T. GRCh37 (hg19) VCF-style: chr2-24962372-A-T.
Other names: c.3273A>T, p.Arg1091Ser (NM_001362950.1, NM_001362952.1, NM_001362954.1 and 3 more transcripts); short protein forms R1091S.
Identifiers: ClinVar variation 2629476 (VCV002629476.1), dbSNP rs1663498993, ClinGen allele CA346053685.

ClinVar aggregate classification (germline): Uncertain significance (1 of 4 stars; one submission).

Conditions:
NCOA1-related disorder. Also called: NCOA1-related condition.

Allele frequency attached by ClinVar (database versions not stated): gnomAD exomes below 0.00001; gnomAD 0.00001.
gnomAD v4.1: 3 of 1,613,818 alleles (0.00019%); highest among the groups gnomAD compares: African/African-American, 0.004%; no homozygotes.

Submission:

PreventionGenetics, part of Exact Sciences
Classification: Uncertain significance for NCOA1-related condition. Last evaluated: 2022-11-14. Review status: criteria provided, single submitter. Criteria: ACMG Guidelines, 2015. Collection method: clinical testing. Allele origin: germline.
Comment: The NCOA1 c.3273A>T variant is predicted to result in the amino acid substitution p.Arg1091Ser. To our knowledge, this variant has not been reported in the literature or in a large population database, indicating this variant is rare. At this time, the clinical significance of this variant is uncertain due to the absence of conclusive functional and genetic evidence.